The following is an entry in ClinVar:

ClinVar aggregate classification (germline): Pathogenic/Likely pathogenic. Review status: criteria provided, multiple submitters, no conflicts (2 of 4 stars). 2 submissions from 2 submitters: Pathogenic (1); Likely pathogenic (1). Last evaluated 2025-07-16.

Conditions:
Charcot-Marie-Tooth disease axonal type 2V. Also called: CHARCOT-MARIE-TOOTH NEUROPATHY, TYPE 2V; CHARCOT-MARIE-TOOTH DISEASE, AXONAL, AUTOSOMAL DOMINANT, TYPE 2V. Identifiers: Orphanet 447964, MedGen C5569050, MONDO:0014665, OMIM 616491.
Mucopolysaccharidosis, MPS-III-B (MPS3B). Also called: N-ACETYL-ALPHA-D-GLUCOSAMINIDASE DEFICIENCY; NAGLU DEFICIENCY; SANFILIPPO SYNDROME B; MPS III B; MUCOPOLYSACCHARIDOSIS, TYPE IIIB; MPS IIIB (Sanfilippo Syndrome Type B). Identifiers: Orphanet 79270, MedGen C0086648, MONDO:0009656, OMIM 252920.

Allele frequency attached by ClinVar (database versions not stated): gnomAD 0.00001.

Submissions (2):

Natera, Inc.
Classification: Likely pathogenic for Mucopolysaccharidosis type IIIB. Last evaluated: 2025-07-16. Review status: criteria provided, single submitter. Criteria: Natera Variant Classification Schema (03/2026). Collection method: clinical testing. Allele origin: germline.
Comment: The c.2080C>T variant in NAGLU is a nonsense variant predicted to introduce a stop codon at amino acid 694. This variant is expected to result in nonsense mediated decay, truncation, or a dysfunctional protein product. This variant is rare in the general population with a frequency below the threshold expected for the associated phenotype(s). Given the available evidence, this variant is classified as Likely Pathogenic.

Labcorp Genetics (formerly Invitae), Labcorp
Classification: Pathogenic for Charcot-Marie-Tooth disease axonal type 2V; Mucopolysaccharidosis, MPS-III-B. Last evaluated: 2023-12-19. Review status: criteria provided, single submitter. Criteria: Invitae Variant Classification Sherloc (09022015). Collection method: clinical testing. Allele origin: germline.
Comment: This sequence change creates a premature translational stop signal (p.Gln694*) in the NAGLU gene. While this is not anticipated to result in nonsense mediated decay, it is expected to disrupt the last 50 amino acid(s) of the NAGLU protein. This variant is not present in population databases (gnomAD no frequency). This variant has not been reported in the literature in individuals affected with NAGLU-related conditions. ClinVar contains an entry for this variant (Variation ID: 2108132). This variant disrupts a region of the NAGLU protein in which other variant(s) (p.Gln706*) have been determined to be pathogenic (PMID: 9443875, 29661560). This suggests that this is a clinically significant region of the protein, and that variants that disrupt it are likely to be disease-causing. For these reasons, this variant has been classified as Pathogenic.

Literature cited by the submitters: PubMed 9443875 (cited by Labcorp Genetics (formerly Invitae), Labcorp); PubMed 29661560 (cited by Labcorp Genetics (formerly Invitae), Labcorp).

NM_000263.4(NAGLU):c.2080C>T (p.Gln694Ter)

Gene: NAGLU (N-acetyl-alpha-glucosaminidase; plus strand). Cytogenetic location: 17q21.2.
Variant type: single nucleotide variant.
Coding change: c.2080C>T on transcript NM_000263.4 (MANE Select); coding-DNA position 2080, C replaced by T.
Protein change: p.Gln694Ter; replaces glutamine 694 with a stop codon.
Molecular consequence: nonsense.
Genome position (GRCh38, 1-based): chr17:42,544,086, C>T. VCF-style: chr17-42544086-C-T. GRCh37 (hg19) VCF-style: chr17-40696104-C-T.
Other names: c.2080C>T (NM_000263.3); short protein forms Q694*.
Identifiers: ClinVar variation 2108132 (VCV002108132.5), dbSNP rs2092930484, ClinGen allele CA399606109.